The following is an entry in ClinVar:

NM_003036.4(SKI):c.155C>T (p.Ala52Val)

Gene: SKI (SKI proto-oncogene; plus strand). Cytogenetic location: 1p36.33.
Variant type: single nucleotide variant.
Coding change: c.155C>T on transcript NM_003036.4 (MANE Select); coding-DNA position 155, C replaced by T.
Protein change: p.Ala52Val; replaces alanine 52 with valine.
Molecular consequence: missense variant.
Genome position (GRCh38, 1-based): chr1:2,228,921, C>T. VCF-style: chr1-2228921-C-T. GRCh37 (hg19) VCF-style: chr1-2160360-C-T.
Other names: short protein forms A52V.
Identifiers: ClinVar variation 1775225 (VCV001775225.2), dbSNP rs1362296627, ClinGen allele CA337952210.

ClinVar aggregate classification (germline): Uncertain significance (1 of 4 stars; one submission).

Conditions:
Familial thoracic aortic aneurysm and aortic dissection (TAAD). Also called: Thoracic aortic aneurysms and dissections. Identifiers: Orphanet 91387, MedGen C4707243, MONDO:0019625.

gnomAD v4.1: 3 of 1,393,282 alleles (0.00022%); highest among the groups gnomAD compares: South Asian, 0.0028%; no homozygotes.

Submission:

Ambry Genetics
Classification: Uncertain significance for Familial thoracic aortic aneurysm and aortic dissection. Last evaluated: 2021-09-26. Review status: criteria provided, single submitter. Criteria: Ambry Variant Classification Scheme 2023. Collection method: clinical testing. Allele origin: germline.
Comment: The p.A52V variant (also known as c.155C>T), located in coding exon 1 of the SKI gene, results from a C to T substitution at nucleotide position 155. The alanine at codon 52 is replaced by valine, an amino acid with similar properties. This amino acid position is conserved. In addition, the in silico prediction for this alteration is inconclusive. Since supporting evidence is limited at this time, the clinical significance of this alteration remains unclear.